The following is an entry in ClinVar:

ClinVar aggregate classification (germline): Uncertain significance. Review status: criteria provided, multiple submitters, no conflicts (2 of 4 stars). 2 submissions from 2 submitters: Uncertain significance (2). Last evaluated 2023-07-10.

Conditions:
Niemann-Pick disease, type C1. Also called: NIEMANN-PICK DISEASE, VARIANT TYPE C1; NEUROVISCERAL STORAGE DISEASE WITH VERTICAL SUPRANUCLEAR OPHTHALMOPLEGIA; NIEMANN-PICK DISEASE WITH CHOLESTEROL ESTERIFICATION BLOCK; NIEMANN-PICK DISEASE WITHOUT SPHINGOMYELINASE DEFICIENCY; NIEMANN-PICK DISEASE, CHRONIC NEURONOPATHIC FORM. Identifiers: Orphanet 646, MedGen C3179455, MONDO:0009757, OMIM 257220.
Inborn genetic diseases. Identifiers: MedGen C0950123, MeSH D030342.

gnomAD v4.1: 28 of 1,614,022 alleles (0.0017%); highest among the groups gnomAD compares: Non-Finnish European, 0.0023%; no homozygotes.

Submissions (2):

Labcorp Genetics (formerly Invitae), Labcorp
Classification: Uncertain significance for Niemann-Pick disease, type C1. Last evaluated: 2023-07-10. Review status: criteria provided, single submitter. Criteria: Invitae Variant Classification Sherloc (09022015). Collection method: clinical testing. Allele origin: germline.
Comment: This sequence change replaces serine, which is neutral and polar, with arginine, which is basic and polar, at codon 815 of the NPC1 protein (p.Ser815Arg). This variant is present in population databases (no rsID available, gnomAD 0.0009%). This variant has not been reported in the literature in individuals affected with NPC1-related conditions. ClinVar contains an entry for this variant (Variation ID: 1437803). Advanced modeling of protein sequence and biophysical properties (such as structural, functional, and spatial information, amino acid conservation, physicochemical variation, residue mobility, and thermodynamic stability) performed at Invitae indicates that this missense variant is expected to disrupt NPC1 protein function. In summary, the available evidence is currently insufficient to determine the role of this variant in disease. Therefore, it has been classified as a Variant of Uncertain Significance.

Ambry Genetics
Classification: Uncertain significance for Inborn genetic diseases. Last evaluated: 2022-06-21. Review status: criteria provided, single submitter. Criteria: Ambry Variant Classification Scheme 2023. Collection method: clinical testing. Allele origin: germline.

NM_000271.5(NPC1):c.2445C>A (p.Ser815Arg)

Gene: NPC1 (NPC intracellular cholesterol transporter 1; minus strand). Cytogenetic location: 18q11.2.
Variant type: single nucleotide variant.
Coding change: c.2445C>A on transcript NM_000271.5 (MANE Select); coding-DNA position 2445, C replaced by A.
Protein change: p.Ser815Arg; replaces serine 815 with arginine.
Molecular consequence: missense variant.
Genome position (GRCh38, 1-based): chr18:23,541,137, G>T on the plus strand (C>A on the coding strand, the complement: NPC1 is on the minus strand). VCF-style: chr18-23541137-G-T. GRCh37 (hg19) VCF-style: chr18-21121101-G-T.
Other names: c.2445C>A (NM_000271.4); short protein forms S815R.
Identifiers: ClinVar variation 1437803 (VCV001437803.7), dbSNP rs767708998, ClinGen allele CA297082124.